The following is an entry in ClinVar:

NM_020433.5(JPH2):c.1853C>A (p.Thr618Asn)

Gene: JPH2 (junctophilin 2; minus strand). Cytogenetic location: 20q13.12.
Variant type: single nucleotide variant.
Coding change: c.1853C>A on transcript NM_020433.5 (MANE Select); coding-DNA position 1853, C replaced by A.
Protein change: p.Thr618Asn; replaces threonine 618 with asparagine.
Molecular consequence: missense variant.
Genome position (GRCh38, 1-based): chr20:44,115,822, G>T on the plus strand (C>A on the coding strand, the complement: JPH2 is on the minus strand). VCF-style: chr20-44115822-G-T. GRCh37 (hg19) VCF-style: chr20-42744462-G-T.
Other names: short protein forms T618N.
Identifiers: ClinVar variation 1781365 (VCV001781365.2), dbSNP rs771037700, ClinGen allele CA409099810.

ClinVar aggregate classification (germline): Uncertain significance (1 of 4 stars; one submission).

Conditions:
Cardiovascular phenotype. Identifiers: MedGen CN230736.

Submission:

Ambry Genetics
Classification: Uncertain significance for Cardiovascular phenotype. Last evaluated: 2021-09-26. Review status: criteria provided, single submitter. Criteria: Ambry Variant Classification Scheme 2023. Collection method: clinical testing. Allele origin: germline.
Comment: The p.T618N variant (also known as c.1853C>A), located in coding exon 4 of the JPH2 gene, results from a C to A substitution at nucleotide position 1853. The threonine at codon 618 is replaced by asparagine, an amino acid with similar properties. This amino acid position is conserved. In addition, this alteration is predicted to be tolerated by in silico analysis. Since supporting evidence is limited at this time, the clinical significance of this alteration remains unclear.